The following is an entry in ClinVar:

ClinVar aggregate classification (germline): Uncertain significance (3 of 4 stars; one submission).

Conditions:
Creatine transporter deficiency (CCDS1). Also called: Mental retardation , X-linked with seizures, short stature and midface hypoplasia; Mental retardation , X-linked, with creatine transport deficiency; X-linked creatine transporter deficiency; X-linked creatine deficiency syndrome; SLC6A8-Related Creatine Transporter Deficiency; CREATINE TRANSPORTER DEFECT. Identifiers: Orphanet 52503, MedGen C1845862, MONDO:0010305, OMIM 300352.

Submission:

ClinGen Cerebral Creatine Deficiency Syndromes Variant Curation Expert Panel, ClinGen
Classification: Uncertain significance for Creatine transporter deficiency. Last evaluated: 2024-07-11. Review status: reviewed by expert panel. Criteria: ClinGen_CCDS_ACMG_Specifications_SLC6A8_v1.1. Collection method: curation. Allele origin: germline. Inheritance: X-linked inheritance.
Comment: The NM_005629.4:c.729G>T variant in SLC6A8 is a missense variant that is predicted to result in the substitution of a tryptophan for cysteine at amino acid 243 (p.Trp243Cys). This variant was reported to result in undetectable creatine transport activity in SLC6A8 deficient fibroblasts (PMID: 22281021) (PS3_Supporting). The variant is absent in gnomAD v2.1.1. (PM2_Supporting). The computational predictor REVEL gives a score of 0.854 which is above the threshold of 0.75, evidence that correlates with impact to SLC6A8 function (PP3). There is no ClinVar entry for this variant. In summary, while there is some suspicion for a pathogenic role, this variant currently meets criteria to be classified as a variant of uncertain significance for creatine transporter deficiency. SLC6A8-specific criteria applied, as specified by the ClinGen CCDS VCEP (Specifications Version 1.2.0): PS3_Supporting, PM2_Supporting, PP3, PP4. (Classification approved by the ClinGen Cerebral Creatine Deficiency Syndromes Variant Curation Expert Panel on July 11, 2024)

NM_005629.4(SLC6A8):c.729G>T (p.Trp243Cys)

Gene: SLC6A8 (solute carrier family 6 member 8; plus strand). Cytogenetic location: Xq28.
Variant type: single nucleotide variant.
Coding change: c.729G>T on transcript NM_005629.4 (MANE Select); coding-DNA position 729, G replaced by T.
Protein change: p.Trp243Cys; replaces tryptophan 243 with cysteine.
Molecular consequence: missense variant.
Genome position (GRCh38, 1-based): chrX:153,692,059, G>T. VCF-style: chrX-153692059-G-T. GRCh37 (hg19) VCF-style: chrX-152957514-G-T.
Other names: NM_001142805.2:c.729G>T; c.729G>T, p.Trp243Cys (NM_001142805.2); c.384G>T, p.Trp128Cys (NM_001142806.1); short protein forms W128C, W243C.
Identifiers: ClinVar variation 4537504 (VCV004537504.1).